The following is an entry in ClinVar:

ClinVar aggregate classification (germline): Uncertain significance (1 of 4 stars; one submission).

Conditions:
Muscular dystrophy-dystroglycanopathy (congenital with brain and eye anomalies), type a, 8 (MDDGA8). Also called: WALKER-WARBURG SYNDROME OR MUSCLE-EYE-BRAIN DISEASE, GTDC2-RELATED. Identifiers: Orphanet 899, MedGen C3553813, MONDO:0013904, OMIM 614830.

Allele frequency attached by ClinVar (database versions not stated): gnomAD exomes below 0.00001.
gnomAD v4.1: 1 of 1,614,130 alleles (0.000062%); highest among the groups gnomAD compares: African/African-American, 0.0013%; no homozygotes.

Submission:

Labcorp Genetics (formerly Invitae), Labcorp
Classification: Uncertain significance for Muscular dystrophy-dystroglycanopathy (congenital with brain and eye anomalies), type a, 8. Last evaluated: 2019-04-30. Review status: criteria provided, single submitter. Criteria: Invitae Variant Classification Sherloc (09022015). Collection method: clinical testing. Allele origin: germline.
Comment: In summary, the available evidence is currently insufficient to determine the role of this variant in disease. Therefore, it has been classified as a Variant of Uncertain Significance. Algorithms developed to predict the effect of missense changes on protein structure and function are either unavailable or do not agree on the potential impact of this missense change (SIFT: "Deleterious"; PolyPhen-2: "Probably Damaging"; Align-GVGD: "Class C15"). This variant has not been reported in the literature in individuals with POMGNT2-related conditions. This variant is not present in population databases (ExAC no frequency). This sequence change replaces leucine with phenylalanine at codon 236 of the POMGNT2 protein (p.Leu236Phe). The leucine residue is highly conserved and there is a small physicochemical difference between leucine and phenylalanine.

NM_032806.6(POMGNT2):c.706C>T (p.Leu236Phe)

Gene: POMGNT2 (protein O-linked mannose N-acetylglucosaminyltransferase 2 (beta 1,4-); minus strand). Cytogenetic location: 3p22.1.
Variant type: single nucleotide variant.
Coding change: c.706C>T on transcript NM_032806.6 (MANE Select); coding-DNA position 706, C replaced by T.
Protein change: p.Leu236Phe; replaces leucine 236 with phenylalanine.
Molecular consequence: missense variant.
Genome position (GRCh38, 1-based): chr3:43,080,726, G>A on the plus strand (C>T on the coding strand, the complement: POMGNT2 is on the minus strand). VCF-style: chr3-43080726-G-A. GRCh37 (hg19) VCF-style: chr3-43122218-G-A.
Other names: short protein forms L236F.
Identifiers: ClinVar variation 846997 (VCV000846997.6), dbSNP rs2089843804, ClinGen allele CA352302685.